The following is an entry in ClinVar:

NM_000489.6(ATRX):c.1516C>T (p.Pro506Ser)

Gene: ATRX (ATRX chromatin remodeler; minus strand). Cytogenetic location: Xq21.1.
Variant type: single nucleotide variant.
Coding change: c.1516C>T on transcript NM_000489.6 (MANE Select); coding-DNA position 1516, C replaced by T.
Protein change: p.Pro506Ser; replaces proline 506 with serine.
Molecular consequence: missense variant.
Genome position (GRCh38, 1-based): chrX:77,683,740, G>A on the plus strand (C>T on the coding strand, the complement: ATRX is on the minus strand). VCF-style: chrX-77683740-G-A. GRCh37 (hg19) VCF-style: chrX-76939232-G-A.
Other names: c.1402C>T, p.Pro468Ser (NM_138270.5); short protein forms P468S, P506S.
Identifiers: ClinVar variation 839584 (VCV000839584.10), dbSNP rs1449091873, ClinGen allele CA413717622.
Genomic context (GRCh38, chrX:77,683,740, plus strand): 5'-CTGGAACTGAGGAAGGAACAGACACAATATCCATGTCTAAATCTTCAGAAGTGTTGGCAG[G>A]TTCATATTGAGGTTCTTCTTTTCTATCAGATTTCTTATGTTCACCACCGGTACTTTTATT-3'
Protein context (NP_000480.3, residues 496-516): SDRKEEPQYE[Pro506Ser]ANTSEDLDMD

ClinVar aggregate classification (germline): Conflicting classifications of pathogenicity. Review status: criteria provided, conflicting classifications (1 of 4 stars). 2 submissions from 2 submitters: Uncertain significance (1); Benign (1). Last evaluated 2024-10-23.

Conditions:
Alpha thalassemia-X-linked intellectual disability syndrome (ATRX). Also called: ATR-X syndrome; Alpha thalassemia mental retardation syndrome, nondeletion type, X-linked; XLMR hypotonic face syndrome; ALPHA-THALASSEMIA/IMPAIRED INTELLECTUAL DEVELOPMENT SYNDROME, X-LINKED; ALPHA-THALASSEMIA/MENTAL RETARDATION SYNDROME, X-LINKED; ATR, NONDELETION TYPE. Identifiers: Orphanet 847, MedGen C1845055, MONDO:0010519, OMIM 301040.

gnomAD v4.1: 4 of 1,210,732 alleles (0.00033%); highest among the groups gnomAD compares: African/African-American, 0.0069%; no homozygotes.

Submissions (2):

Labcorp Genetics (formerly Invitae), Labcorp
Classification: Benign for Alpha thalassemia-X-linked intellectual disability syndrome. Last evaluated: 2024-10-23. Review status: criteria provided, single submitter. Criteria: Invitae Variant Classification Sherloc (09022015). Collection method: clinical testing. Allele origin: germline.

GeneDx
Classification: Uncertain significance. Last evaluated: 2019-10-02. Review status: criteria provided, single submitter. Criteria: GeneDx Variant Classification Process June 2021. Collection method: clinical testing. Allele origin: germline. Affected: yes.
Comment: Not observed in large population cohorts (Lek et al., 2016); In silico analysis, which includes protein predictors and evolutionary conservation, supports a deleterious effect; Has not been previously published as pathogenic or benign to our knowledge